The following is an entry in ClinVar:

ClinVar aggregate classification (germline): Likely benign (1 of 4 stars; one submission).

Conditions:
ECEL1-related disorder. Also called: ECEL1-related condition.

gnomAD v4.1: 328 of 1,613,912 alleles (0.02%); highest among the groups gnomAD compares: Non-Finnish European, 0.025%; no homozygotes.

Submission:

PreventionGenetics, part of Exact Sciences
Classification: Likely benign for ECEL1-related condition. Last evaluated: 2026-06-29. Review status: criteria provided, single submitter. Criteria: ACMG Guidelines, 2015. Collection method: clinical testing. Allele origin: germline.
Comment: This variant is classified as likely benign based on ACMG/AMP sequence variant interpretation guidelines (Richards et al. 2015 PMID: 25741868, with internal and published modifications).

NM_004826.4(ECEL1):c.1029G>A (p.Thr343=)

Gene: ECEL1 (endothelin converting enzyme like 1; minus strand). Cytogenetic location: 2q37.1.
Variant type: single nucleotide variant.
Coding change: c.1029G>A on transcript NM_004826.4 (MANE Select); coding-DNA position 1029, G replaced by A.
Protein change: p.Thr343=; no amino-acid change (threonine 343 retained).
Molecular consequence: synonymous variant.
Genome position (GRCh38, 1-based): chr2:232,484,831, C>T on the plus strand (G>A on the coding strand, the complement: ECEL1 is on the minus strand). VCF-style: chr2-232484831-C-T. GRCh37 (hg19) VCF-style: chr2-233349541-C-T.
Other names: c.1029G>A, p.Thr343= (NM_001290787.2).
Identifiers: ClinVar variation 4980527 (VCV004980527.1).